The following is an entry in ClinVar:

NM_019098.5(CNGB3):c.1639C>T (p.Pro547Ser)

Gene: CNGB3 (cyclic nucleotide gated channel subunit beta 3; minus strand). Cytogenetic location: 8q21.3.
Variant type: single nucleotide variant.
Coding change: c.1639C>T on transcript NM_019098.5 (MANE Select); coding-DNA position 1639, C replaced by T.
Protein change: p.Pro547Ser; replaces proline 547 with serine.
Molecular consequence: missense variant.
Genome position (GRCh38, 1-based): chr8:86,611,611, G>A on the plus strand (C>T on the coding strand, the complement: CNGB3 is on the minus strand). VCF-style: chr8-86611611-G-A. GRCh37 (hg19) VCF-style: chr8-87623839-G-A.
Other names: short protein forms P547S.
Identifiers: ClinVar variation 2161227 (VCV002161227.2), dbSNP rs1487562201, ClinGen allele CA371438531.

ClinVar aggregate classification (germline): Uncertain significance. Review status: criteria provided, multiple submitters, no conflicts (2 of 4 stars). 2 submissions from 2 submitters: Uncertain significance (2). Last evaluated 2024-05-22.

Allele frequency attached by ClinVar (database versions not stated): gnomAD 0.00001; gnomAD exomes 0.00001; TOPMed 0.00001.
gnomAD v4.1: 17 of 1,612,998 alleles (0.0011%); highest among the groups gnomAD compares: Non-Finnish European, 0.0014%; no homozygotes.

Submissions (2):

Blueprint Genetics
Classification: Uncertain significance. Last evaluated: 2024-05-22. Review status: criteria provided, single submitter. Criteria: ACMG Guidelines, 2015. Collection method: clinical testing. Allele origin: germline.

Labcorp Genetics (formerly Invitae), Labcorp
Classification: Uncertain significance. Last evaluated: 2022-04-24. Review status: criteria provided, single submitter. Criteria: Invitae Variant Classification Sherloc (09022015). Collection method: clinical testing. Allele origin: germline.
Comment: This sequence change replaces proline, which is neutral and non-polar, with serine, which is neutral and polar, at codon 547 of the CNGB3 protein (p.Pro547Ser). This variant is not present in population databases (gnomAD no frequency). This variant has not been reported in the literature in individuals affected with CNGB3-related conditions. Advanced modeling of protein sequence and biophysical properties (such as structural, functional, and spatial information, amino acid conservation, physicochemical variation, residue mobility, and thermodynamic stability) performed at Invitae indicates that this missense variant is expected to disrupt CNGB3 protein function. In summary, the available evidence is currently insufficient to determine the role of this variant in disease. Therefore, it has been classified as a Variant of Uncertain Significance.